The following is an entry in ClinVar:

NM_004370.6(COL12A1):c.2726A>C (p.Gln909Pro)

Gene: COL12A1 (collagen type XII alpha 1 chain; minus strand). Cytogenetic location: 6q13.
Variant type: single nucleotide variant.
Coding change: c.2726A>C on transcript NM_004370.6 (MANE Select); coding-DNA position 2726, A replaced by C.
Protein change: p.Gln909Pro; replaces glutamine 909 with proline.
Molecular consequence: missense variant. On other transcripts: intron variant (2).
Genome position (GRCh38, 1-based): chr6:75,165,764, T>G on the plus strand (A>C on the coding strand, the complement: COL12A1 is on the minus strand). VCF-style: chr6-75165764-T-G. GRCh37 (hg19) VCF-style: chr6-75875480-T-G.
Other names: c.2726A>C, p.Gln909Pro (NM_001424113.1, NM_001424114.1); c.2453A>C, p.Gln818Pro (NM_001424115.1); c.74-13282A>C (NM_001424116.1, NM_080645.3); short protein forms Q818P, Q909P.
Identifiers: ClinVar variation 3234922 (VCV003234922.1), dbSNP rs2533471375, ClinGen allele CA364758874.
Genomic context (GRCh38, chr6:75,165,764, plus strand): 5'-GGAGCAGATGTCCAATAAGCCCCAATTGATGTGTCAGTGATGTCTTTAGTAACTAAATCT[T>G]GAGGAGAACCACGTTCTAGAACAGAAATTAAAAGGGAATCTTTTTTAAAAATGTCTAGTA-3'
Protein context (NP_004361.3, residues 899-919): GTTLEERGSP[Gln909Pro]DLVTKDITDT

ClinVar aggregate classification (germline): Uncertain significance (1 of 4 stars; one submission).

Conditions:
Bethlem myopathy 2 (BTHLM2). Identifiers: Orphanet 536516, Orphanet 610, MedGen C4225313, MONDO:0034022, OMIM 616471.

Submission:

Neuberg Centre For Genomic Medicine, NCGM
Classification: Uncertain significance for Bethlem myopathy 2. Review status: criteria provided, single submitter. Criteria: ACMG Guidelines, 2015. Collection method: clinical testing. Allele origin: germline. Inheritance: Autosomal dominant inheritance. Affected: yes.
Comment: The missense variant c.2726A>Cp.Gln909Pro in COL12A1 gene has not been reported previously as a pathogenic variant nor as a benign variant, to our knowledge. The p.Gln909Pro variant is novel not in any individuals in gnomAD Exomes and 1000 Genomes. This variant has not been reported to the ClinVar database. The amino acid Gln at position 909 is changed to a Pro changing protein sequence and it might alter its composition and physico-chemical properties. For these reasons, this variant has been classified as Uncertain Significance VUS.